The following is an entry in ClinVar:

NM_004656.4(BAP1):c.1114C>G (p.Gln372Glu)

Gene: BAP1 (BRCA1 associated deubiquitinase 1; minus strand). Cytogenetic location: 3p21.1.
Variant type: single nucleotide variant.
Coding change: c.1114C>G on transcript NM_004656.4 (MANE Select); coding-DNA position 1114, C replaced by G.
Protein change: p.Gln372Glu; replaces glutamine 372 with glutamic acid.
Molecular consequence: missense variant.
Genome position (GRCh38, 1-based): chr3:52,405,112, G>C on the plus strand (C>G on the coding strand, the complement: BAP1 is on the minus strand). VCF-style: chr3-52405112-G-C. GRCh37 (hg19) VCF-style: chr3-52439128-G-C.
Other names: c.1060C>G, p.Gln354Glu (NM_001410772.1); short protein forms Q354E, Q372E.
Identifiers: ClinVar variation 1795886 (VCV001795886.7), dbSNP rs1705105625, ClinGen allele CA353105040.

ClinVar aggregate classification (germline): Uncertain significance. Review status: criteria provided, multiple submitters, no conflicts (2 of 4 stars). 2 submissions from 2 submitters: Uncertain significance (2). Last evaluated 2022-07-05.

Conditions:
Hereditary cancer-predisposing syndrome. Also called: Tumor predisposition; Hereditary Cancer Syndrome; Neoplastic Syndromes, Hereditary; Hereditary neoplastic syndrome. Identifiers: Orphanet 140162, MedGen C0027672, MeSH D009386, MONDO:0015356.
BAP1-related tumor predisposition syndrome (TPDS1). Also called: Tumor susceptibility linked to germline BAP1 mutations; COMMON Syndrome; TUMOR PREDISPOSITION SYNDROME 1; BAP1 tumor predisposition syndrome. Identifiers: Orphanet 289539, MedGen C3280492, MONDO:0013692, OMIM 614327.

Allele frequency attached by ClinVar (database versions not stated): gnomAD exomes below 0.00001; TOPMed below 0.00001.
gnomAD v4.1: 2 of 1,614,120 alleles (0.00012%); highest among the groups gnomAD compares: Non-Finnish European, 0.00017%; no homozygotes.

Submissions (2):

Ambry Genetics
Classification: Uncertain significance for Hereditary cancer-predisposing syndrome. Last evaluated: 2022-07-05. Review status: criteria provided, single submitter. Criteria: Ambry Variant Classification Scheme 2023. Collection method: clinical testing. Allele origin: germline.
Comment: The p.Q372E variant (also known as c.1114C>G), located in coding exon 11 of the BAP1 gene, results from a C to G substitution at nucleotide position 1114. The glutamine at codon 372 is replaced by glutamic acid, an amino acid with highly similar properties. This amino acid position is highly conserved in available vertebrate species. In addition, the in silico prediction for this alteration is inconclusive. Since supporting evidence is limited at this time, the clinical significance of this alteration remains unclear.

Labcorp Genetics (formerly Invitae), Labcorp
Classification: Uncertain significance for BAP1-related tumor predisposition syndrome. Last evaluated: 2021-12-19. Review status: criteria provided, single submitter. Criteria: Invitae Variant Classification Sherloc (09022015). Collection method: clinical testing. Allele origin: germline.
Comment: In summary, the available evidence is currently insufficient to determine the role of this variant in disease. Therefore, it has been classified as a Variant of Uncertain Significance. Algorithms developed to predict the effect of missense changes on protein structure and function are either unavailable or do not agree on the potential impact of this missense change (SIFT: "Deleterious"; PolyPhen-2: "Possibly Damaging"; Align-GVGD: "Class C0"). This variant has not been reported in the literature in individuals affected with BAP1-related conditions. This variant is not present in population databases (gnomAD no frequency). This sequence change replaces glutamine, which is neutral and polar, with glutamic acid, which is acidic and polar, at codon 372 of the BAP1 protein (p.Gln372Glu).